The following is an entry in ClinVar:

NM_002474.3(MYH11):c.508G>A (p.Glu170Lys)

Gene: MYH11 (myosin heavy chain 11; minus strand). Cytogenetic location: 16p13.11.
Variant type: single nucleotide variant.
Coding change: c.508G>A on transcript NM_002474.3 (MANE Select); coding-DNA position 508, G replaced by A.
Protein change: p.Glu170Lys; replaces glutamic acid 170 with lysine.
Molecular consequence: missense variant.
Genome position (GRCh38, 1-based): chr16:15,798,682, C>T on the plus strand (G>A on the coding strand, the complement: MYH11 is on the minus strand). VCF-style: chr16-15798682-C-T. GRCh37 (hg19) VCF-style: chr16-15892539-C-T.
Other names: p.E170K:GAG>AAG; c.508G>A, p.Glu170Lys (NM_001040113.2, NM_001040114.2, NM_022844.3); short protein forms E170K.
Identifiers: ClinVar variation 201099 (VCV000201099.12), dbSNP rs766315580, ClinGen allele CA306640.

ClinVar aggregate classification (germline): Uncertain significance. Review status: criteria provided, multiple submitters, no conflicts (2 of 4 stars). 5 submissions from 5 submitters: Uncertain significance (5). Last evaluated 2025-05-31.

Conditions:
Familial thoracic aortic aneurysm and aortic dissection (TAAD). Also called: Thoracic aortic aneurysms and dissections. Identifiers: Orphanet 91387, MedGen C4707243, MONDO:0019625.
Aortic aneurysm, familial thoracic 4 (AAT4). Also called: AORTIC ANEURYSM/AORTIC DISSECTION AND PATENT DUCTUS ARTERIOSUS. Identifiers: MedGen C1851504, MONDO:0007568, OMIM 132900.

Allele frequency attached by ClinVar (database versions not stated): TOPMed below 0.00001; ExAC 0.00003; gnomAD 0.00004; gnomAD exomes 0.00004 and 0.00005.
gnomAD v4.1: 37 of 1,612,294 alleles (0.0023%); highest among the groups gnomAD compares: Non-Finnish European, 0.00042%; no homozygotes.

Submissions (5):

Color Diagnostics, LLC DBA Color Health
Classification: Uncertain significance for Familial thoracic aortic aneurysm and aortic dissection. Last evaluated: 2025-05-31. Review status: criteria provided, single submitter. Criteria: ACMG Guidelines, 2015. Collection method: clinical testing. Allele origin: germline.
Comment: This missense variant replaces glutamic acid with lysine at codon 170 of the MYH11 protein. Computational prediction suggests that this variant may have deleterious impact on protein structure and function. To our knowledge, functional studies have not been reported for this variant. This variant has not been reported in individuals affected with MYH11-related disorders in the literature. This variant has been identified in 12/281902 chromosomes in the general population by the Genome Aggregation Database (gnomAD). The available evidence is insufficient to determine the role of this variant in disease conclusively. Therefore, this variant is classified as a Variant of Uncertain Significance.

All of Us Research Program, National Institutes of Health
Classification: Uncertain significance for Familial thoracic aortic aneurysm and aortic dissection. Last evaluated: 2024-09-23. Review status: criteria provided, single submitter. Criteria: ACMG Guidelines, 2015. Collection method: clinical testing. Allele origin: germline. Inheritance: Autosomal dominant inheritance. Observed: 2 variant alleles, 2 heterozygotes.
Comment: This missense variant replaces glutamic acid with lysine at codon 170 of the MYH11 protein. Computational prediction suggests that this variant may have deleterious impact on protein structure and function (internally defined REVEL score threshold >= 0.7, PMID: 27666373). To our knowledge, functional studies have not been reported for this variant. This variant has not been reported in individuals affected with MYH11-related disorders in the literature. This variant has been identified in 12/281902 chromosomes in the general population by the Genome Aggregation Database (gnomAD). The available evidence is insufficient to determine the role of this variant in disease conclusively. Therefore, this variant is classified as a Variant of Uncertain Significance.

This study involves interpretation of variants in research participants for the purpose of population health screening. Participant phenotype was not available at the time of variant classification. Additional details can be found in publication PMID: 35346344, PMCID: PMC8962531

Blueprint Genetics
Classification: Uncertain significance. Last evaluated: 2024-05-14. Review status: criteria provided, single submitter. Criteria: ACMG Guidelines, 2015. Collection method: clinical testing. Allele origin: germline.

Labcorp Genetics (formerly Invitae), Labcorp
Classification: Uncertain significance for Aortic aneurysm, familial thoracic 4. Last evaluated: 2021-08-28. Review status: criteria provided, single submitter. Criteria: Invitae Variant Classification Sherloc (09022015). Collection method: clinical testing. Allele origin: germline.
Comment: This sequence change replaces glutamic acid with lysine at codon 170 of the MYH11 protein (p.Glu170Lys). The glutamic acid residue is highly conserved and there is a small physicochemical difference between glutamic acid and lysine. The frequency data for this variant in the population databases is considered unreliable, as metrics indicate poor data quality at this position in the ExAC database. This variant has not been reported in the literature in individuals affected with MYH11-related conditions. ClinVar contains an entry for this variant (Variation ID: 201099). Algorithms developed to predict the effect of missense changes on protein structure and function are either unavailable or do not agree on the potential impact of this missense change (SIFT: "Deleterious"; PolyPhen-2: "Probably Damaging"; Align-GVGD: "Class C0"). In summary, the available evidence is currently insufficient to determine the role of this variant in disease. Therefore, it has been classified as a Variant of Uncertain Significance.

GeneDx
Classification: Uncertain significance. Last evaluated: 2014-05-03. Review status: criteria provided, single submitter. Criteria: GeneDx Variant Classification (06012015). Collection method: clinical testing. Allele origin: germline. Affected: yes.
Comment: p.Glu170Lys (GAG>AAG): c.508 G>A in exon 4 of the MYH11 gene (NM_002474.2). A variant of unknown significance has been identified in the MYH11 gene. The E170K variant has not been published as a mutation, nor has it been reported as a benign polymorphism to our knowledge. The E170K variant was not observed in approximately 6,500 individuals of European and African American ancestry in the NHLBI Exome Sequencing Project, indicating it is not a common benign variant in these populations. The E170K variant is a non-conservative amino acid substitution, which is likely to impact secondary protein structure as these residues differ in polarity, charge, size and/or other properties. This substitution occurs at a position that is conserved in mammals. However, in silico analysis is inconsistent in its predictions as to whether or not the variant is damaging to the protein structure/function. Furthermore, no missense mutations affecting nearby residues have been reported in association with TAAD, indicating this region of the protein may be tolerant of change. Therefore, based on the currently available information, it is unclear whether this variant is a pathogenic mutation or a rare benign variant. The variant is found in TAAD panel(s).